The following is an entry in ClinVar:

ClinVar aggregate classification (germline): Likely benign (0 of 4 stars; one submission).

Conditions:
TRAF7-related disorder. Also called: TRAF7-related condition.

Allele frequency attached by ClinVar (database versions not stated): ExAC 0.00002; gnomAD 0.00008; TOPMed 0.00010; 1000 Genomes Project 0.00020; 1000 Genomes Project 30x 0.00031.
gnomAD v4.1: 25 of 1,613,534 alleles (0.0015%); highest among the groups gnomAD compares: African/African-American, 0.032%; 1 homozygote.

Submission:

PreventionGenetics, part of Exact Sciences
Classification: Likely benign for TRAF7-related condition. Last evaluated: 2019-08-09. Review status: no assertion criteria provided. Collection method: clinical testing. Allele origin: germline.
Comment: This variant is classified as likely benign based on ACMG/AMP sequence variant interpretation guidelines (Richards et al. 2015 PMID: 25741868, with internal and published modifications).

NM_032271.3(TRAF7):c.1464A>C (p.Ser488=)

Gene: TRAF7 (TNF receptor associated factor 7; plus strand). Cytogenetic location: 16p13.3.
Variant type: single nucleotide variant.
Coding change: c.1464A>C on transcript NM_032271.3 (MANE Select); coding-DNA position 1464, A replaced by C.
Protein change: p.Ser488=; no amino-acid change (serine 488 retained).
Molecular consequence: synonymous variant.
Genome position (GRCh38, 1-based): chr16:2,175,378, A>C. VCF-style: chr16-2175378-A-C. GRCh37 (hg19) VCF-style: chr16-2225379-A-C.
Identifiers: ClinVar variation 3035376 (VCV003035376.2), dbSNP rs557570814, ClinGen allele CA7835003.